The following is an entry in ClinVar:

ClinVar aggregate classification (germline): Conflicting classifications of pathogenicity. Review status: criteria provided, conflicting classifications (1 of 4 stars). 4 submissions from 4 submitters: Uncertain significance (1); Benign (1); Likely benign (2). Last evaluated 2026-01-19.

Conditions:
Inborn genetic diseases. Identifiers: MedGen C0950123, MeSH D030342.
DYRK1A-related intellectual disability syndrome (MRD7). Also called: DYRK1A Syndrome; Intellectual developmental disorder, autosomal dominant 7. Identifiers: Orphanet 464306, MedGen C5568143, MONDO:0013578, OMIM 614104.

Allele frequency attached by ClinVar (database versions not stated): TOPMed below 0.00001; gnomAD exomes 0.00001.
gnomAD v4.1: 5 of 1,614,196 alleles (0.00031%); highest among the groups gnomAD compares: Non-Finnish European, 0.00042%; no homozygotes.

Submissions (4):

Labcorp Genetics (formerly Invitae), Labcorp
Classification: Benign for DYRK1A-related intellectual disability syndrome. Last evaluated: 2026-01-19. Review status: criteria provided, single submitter. Criteria: Invitae Variant Classification Sherloc (09022015). Collection method: clinical testing. Allele origin: germline.

Ambry Genetics
Classification: Likely benign for Inborn genetic diseases. Last evaluated: 2025-04-12. Review status: criteria provided, single submitter. Criteria: Ambry Variant Classification Scheme 2023. Collection method: clinical testing. Allele origin: germline.

Women's Health and Genetics/Laboratory Corporation of America, LabCorp
Classification: Uncertain significance. Last evaluated: 2024-10-17. Review status: criteria provided, single submitter. Criteria: LabCorp Variant Classification Summary - May 2015. Collection method: clinical testing. Allele origin: germline.
Comment: Variant summary: DYRK1A c.1366A>G (p.Ile456Val) results in a conservative amino acid change in the encoded protein sequence. Four of five in-silico tools predict a benign effect of the variant on protein function. The variant allele was found at a frequency of 8e-06 in 251492 control chromosomes (gnomAD). The available data on variant occurrences in the general population are insufficient to allow any conclusion about variant significance. To our knowledge, no occurrence of c.1366A>G in individuals affected with Mental Retardation, Autosomal Dominant 7 and no experimental evidence demonstrating its impact on protein function have been reported. ClinVar contains an entry for this variant (Variation ID: 435012). Based on the evidence outlined above, the variant was classified as uncertain significance.

Genetic Services Laboratory, University of Chicago
Classification: Likely benign. Last evaluated: 2016-11-22. Review status: criteria provided, single submitter. Criteria: ACMG Guidelines, 2015. Collection method: clinical testing. Allele origin: germline. Affected: no.

NM_001347721.2(DYRK1A):c.1339A>G (p.Ile447Val)

Gene: DYRK1A (dual specificity tyrosine phosphorylation regulated kinase 1A; plus strand). Cytogenetic location: 21q22.13.
Variant type: single nucleotide variant.
Coding change: c.1339A>G on transcript NM_001347721.2 (MANE Select); coding-DNA position 1339, A replaced by G.
Protein change: p.Ile447Val; replaces isoleucine 447 with valine.
Molecular consequence: missense variant.
Genome position (GRCh38, 1-based): chr21:37,505,409, A>G. VCF-style: chr21-37505409-A-G. GRCh37 (hg19) VCF-style: chr21-38877712-A-G.
Other names: c.1339A>G, p.Ile447Val (NM_001347722.2, NM_130436.2); c.1252A>G, p.Ile418Val (NM_001347723.2); c.1366A>G, p.Ile456Val (NM_001396.5, NM_101395.2, NM_130438.2); short protein forms I456V, I418V, I447V.
Identifiers: ClinVar variation 435012 (VCV000435012.9), dbSNP rs1268200083, ClinGen allele CA409938365.
Genomic context (GRCh38, chr21:37,505,409, plus strand): 5'-GGGCGACGTGCTGGGGAGTCAGGTCATACGGTCGCTGACTACTTGAAGTTCAAAGACCTC[A>G]TTTTAAGGATGCTTGATTATGACCCCAAAACTCGAATTCAACCTTATTATGCTCTGCAGC-3'
Protein context (NP_001334650.1, residues 437-457): VADYLKFKDL[Ile447Val]LRMLDYDPKT